The following is an entry in ClinVar:

ClinVar aggregate classification (germline): Pathogenic (1 of 4 stars; one submission).

Submission:

Centre of Medical Genetics, University Hospital Muenster
Classification: Pathogenic. Last evaluated: 2025-04-07. Review status: criteria provided, single submitter. Criteria: ACMG Guidelines, 2015. Collection method: clinical testing. Allele origin: unknown. Affected: yes. Observed: 1 variant allele, 1 heterozygote.
Comment: ACMG categories: PVS1,PM2

NM_001009944.3(PKD1):c.6791C>A (p.Ser2264Ter)

Gene: PKD1 (polycystin 1, transient receptor potential channel interacting; minus strand). Cytogenetic location: 16p13.3.
Variant type: single nucleotide variant.
Coding change: c.6791C>A on transcript NM_001009944.3 (MANE Select); coding-DNA position 6791, C replaced by A.
Protein change: p.Ser2264Ter; replaces serine 2264 with a stop codon.
Molecular consequence: nonsense.
Genome position (GRCh38, 1-based): chr16:2,108,376, G>T on the plus strand (C>A on the coding strand, the complement: PKD1 is on the minus strand). VCF-style: chr16-2108376-G-T. GRCh37 (hg19) VCF-style: chr16-2158377-G-T.
Other names: c.6791C>A, p.Ser2264Ter (NM_000296.4); short protein forms S2264*.
Identifiers: ClinVar variation 4526358 (VCV004526358.1).